The following is an entry in ClinVar:

NM_001009999.3(KDM1A):c.589G>A (p.Ala197Thr)

Gene: KDM1A (lysine demethylase 1A; plus strand). Cytogenetic location: 1p36.12.
Variant type: single nucleotide variant.
Coding change: c.589G>A on transcript NM_001009999.3 (MANE Select); coding-DNA position 589, G replaced by A.
Protein change: p.Ala197Thr; replaces alanine 197 with threonine.
Molecular consequence: missense variant.
Genome position (GRCh38, 1-based): chr1:23,050,398, G>A. VCF-style: chr1-23050398-G-A. GRCh37 (hg19) VCF-style: chr1-23376891-G-A.
Other names: c.529G>A, p.Ala177Thr (NM_001363654.2, NM_001410763.1, NM_015013.4); c.589G>A, p.Ala197Thr (NM_001410762.1); short protein forms A177T, A197T.
Identifiers: ClinVar variation 1706277 (VCV001706277.8), dbSNP rs765222197, ClinGen allele CA19213188.
Genomic context (GRCh38, chr1:23,050,398, plus strand): 5'-TTTGTATTCACTTGCACTTTTCCTAGATGTCCTTTGCTTTCTTCGTTAGGTGTGGAGGGC[G>A]CAGCTTTCCAGAGCCGACTTCCTCATGACCGGATGACTTCTCAAGAAGCAGCCTGTTTTC-3'
Protein context (NP_001009999.1, residues 187-207): GDGQASGVEG[Ala197Thr]AFQSRLPHDR

ClinVar aggregate classification (germline): Uncertain significance. Review status: criteria provided, multiple submitters, no conflicts (2 of 4 stars). 3 submissions from 3 submitters: Uncertain significance (3). Last evaluated 2025-03-15.

Conditions:
Inborn genetic diseases. Identifiers: MedGen C0950123, MeSH D030342.

gnomAD v4.1: 2 of 1,609,230 alleles (0.00012%); highest among the groups gnomAD compares: Non-Finnish European, 0.00017%; no homozygotes.

Submissions (3):

Ambry Genetics
Classification: Uncertain significance for Inborn genetic diseases. Last evaluated: 2025-03-15. Review status: criteria provided, single submitter. Criteria: Ambry Variant Classification Scheme 2023. Collection method: clinical testing. Allele origin: germline.
Comment: The p.A197T variant (also known as c.589G>A), located in coding exon 4 of the KDM1A gene, results from a G to A substitution at nucleotide position 589. The alanine at codon 197 is replaced by threonine, an amino acid with similar properties. This amino acid position is conserved. In addition, this alteration is predicted to be deleterious by in silico analysis. Based on the available evidence, the clinical significance of this variant remains unclear.

Labcorp Genetics (formerly Invitae), Labcorp
Classification: Uncertain significance. Last evaluated: 2022-06-07. Review status: criteria provided, single submitter. Criteria: Invitae Variant Classification Sherloc (09022015). Collection method: clinical testing. Allele origin: germline.
Comment: In summary, the available evidence is currently insufficient to determine the role of this variant in disease. Therefore, it has been classified as a Variant of Uncertain Significance. Algorithms developed to predict the effect of missense changes on protein structure and function are either unavailable or do not agree on the potential impact of this missense change (SIFT: "Deleterious"; PolyPhen-2: "Probably Damaging"; Align-GVGD: "Class C0"). This variant has not been reported in the literature in individuals affected with KDM1A-related conditions. This variant is not present in population databases (gnomAD no frequency). This sequence change replaces alanine, which is neutral and non-polar, with threonine, which is neutral and polar, at codon 197 of the KDM1A protein (p.Ala197Thr).

GeneDx
Classification: Uncertain significance. Last evaluated: 2022-03-17. Review status: criteria provided, single submitter. Criteria: GeneDx Variant Classification Process June 2021. Collection method: clinical testing. Allele origin: germline. Affected: yes.
Comment: Not observed at significant frequency in large population cohorts (gnomAD); In silico analysis supports that this missense variant has a deleterious effect on protein structure/function; Has not been previously published as pathogenic or benign to our knowledge